The following is an entry in ClinVar:

NM_001036.6(RYR3):c.10816-10T>A

Gene: RYR3 (ryanodine receptor 3; plus strand). Cytogenetic location: 15q14.
Variant type: single nucleotide variant.
Coding change: c.10816-10T>A on transcript NM_001036.6 (MANE Select); 10 bases into the intron before coding-DNA position 10816, T replaced by A.
Molecular consequence: intron variant.
Genome position (GRCh38, 1-based): chr15:33,821,260, T>A. VCF-style: chr15-33821260-T-A. GRCh37 (hg19) VCF-style: chr15-34113461-T-A.
Other names: c.10801-10T>A (NM_001243996.4).
Identifiers: ClinVar variation 4883124 (VCV004883124.2).

ClinVar aggregate classification (germline): Uncertain significance (1 of 4 stars; one submission).

gnomAD v4.1: 5 of 1,580,676 alleles (0.00032%); highest among the groups gnomAD compares: Admixed American, 0.0073%; no homozygotes.

Submission:

Dasa
Classification: Uncertain significance. Last evaluated: 2025-10-10. Review status: criteria provided, single submitter. Criteria: DASA Assertion Criteria. Collection method: clinical testing. Allele origin: germline.
Comment: NM_001036.6(RYR3):c.10816-10T>A is a splice-region variant. This variant is rare in population databases. Computational prediction algorithms are consistent with a benign effect. The currently available literature and clinical evidence are not sufficient to establish a definitive association between this variant and the reported condition. Therefore, this variant is classified as a variant of uncertain significance.